The following is an entry in ClinVar:

NM_007327.4(GRIN1):c.2794T>C (p.Cys932Arg)

Gene: GRIN1 (glutamate ionotropic receptor NMDA type subunit 1; plus strand). Cytogenetic location: 9q34.3.
Variant type: single nucleotide variant.
Coding change: c.2794T>C on transcript NM_007327.4 (MANE Select); coding-DNA position 2794, T replaced by C.
Protein change: p.Cys932Arg; replaces cysteine 932 with arginine.
Molecular consequence: missense variant. On other transcripts: intron variant (3).
Genome position (GRCh38, 1-based): chr9:137,167,504, T>C. VCF-style: chr9-137167504-T-C. GRCh37 (hg19) VCF-style: chr9-140061956-T-C.
Other names: c.2683T>C, p.Cys895Arg (NM_021569.4); c.2764-270T>C (NM_001185090.2); c.2653-270T>C (NM_001185091.2); c.2590-270T>C (NM_000832.7); short protein forms C895R, C932R.
Identifiers: ClinVar variation 3635986 (VCV003635986.2).
Genomic context (GRCh38, chr9:137,167,504, plus strand): 5'-CAAAAAGACACAGTGCTGCCGCGACGCGCTATTGAGAGGGAGGAGGGCCAGCTGCAGCTG[T>C]GTTCCCGTCATAGGGAGAGCTGAGACTCCCCGCCCGCCCTCCTCTGCCCCCTCCCCCGCA-3'
Protein context (NP_015566.1, residues 922-938): IEREEGQLQL[Cys932Arg]SRHRES

ClinVar aggregate classification (germline): Uncertain significance (1 of 4 stars; one submission).

Conditions:
Neurodevelopmental disorder with or without hyperkinetic movements and seizures, autosomal dominant. Also called: Intellectual disability, autosomal dominant 8. Identifiers: MedGen C3280282, MONDO:0013655, OMIM 614254.

gnomAD v4.1: 1 of 1,555,934 alleles (0.000064%); highest among the groups gnomAD compares: Non-Finnish European, 0.000087%; no homozygotes.

Submission:

Labcorp Genetics (formerly Invitae), Labcorp
Classification: Uncertain significance for Neurodevelopmental disorder with or without hyperkinetic movements and seizures, autosomal dominant. Last evaluated: 2024-03-27. Review status: criteria provided, single submitter. Criteria: Invitae Variant Classification Sherloc (09022015). Collection method: clinical testing. Allele origin: germline.
Comment: This sequence change replaces cysteine, which is neutral and slightly polar, with arginine, which is basic and polar, at codon 932 of the GRIN1 protein (p.Cys932Arg). This variant is not present in population databases (gnomAD no frequency). This variant has not been reported in the literature in individuals affected with GRIN1-related conditions. Advanced modeling of protein sequence and biophysical properties (such as structural, functional, and spatial information, amino acid conservation, physicochemical variation, residue mobility, and thermodynamic stability) performed at Invitae indicates that this missense variant is expected to disrupt GRIN1 protein function with a positive predictive value of 95%. In summary, the available evidence is currently insufficient to determine the role of this variant in disease. Therefore, it has been classified as a Variant of Uncertain Significance.